The following is an entry in ClinVar:

NM_020207.7(ERCC6L2):c.160G>A (p.Val54Ile)

Gene: ERCC6L2 (ERCC excision repair 6 like 2; plus strand). Cytogenetic location: 9q22.32.
Variant type: single nucleotide variant.
Coding change: c.160G>A on transcript NM_020207.7 (MANE Select); coding-DNA position 160, G replaced by A.
Protein change: p.Val54Ile; replaces valine 54 with isoleucine.
Molecular consequence: missense variant. On other transcripts: non-coding transcript variant (1).
Genome position (GRCh38, 1-based): chr9:95,880,982, G>A. VCF-style: chr9-95880982-G-A. GRCh37 (hg19) VCF-style: chr9-98643264-G-A.
Other names: c.160G>A, p.Val54Ile (NM_001010895.4, NM_001375291.1, NM_001375292.1 and 2 more transcripts); short protein forms V54I.
Identifiers: ClinVar variation 1337357 (VCV001337357.10), dbSNP rs148041136, ClinGen allele CA5139250.
Genomic context (GRCh38, chr9:95,880,982, plus strand): 5'-CTTTGTGAAGCAAGCATAAAATCTATCACAGTGGATGAAAATGGCAAGTCATTTGCAGTC[G>A]TCTTATATGCAGATTTTCAAGAAAGGAAAATACCTCTTAAACAGCTTCAAGAAGTGAAAT-3'
Protein context (NP_064592.3, residues 44-64): VDENGKSFAV[Val54Ile]LYADFQERKI

ClinVar aggregate classification (germline): Conflicting classifications of pathogenicity. Review status: criteria provided, conflicting classifications (1 of 4 stars). 4 submissions from 4 submitters: Uncertain significance (3); Likely benign (1). Last evaluated 2025-12-11.

Conditions:
Inborn genetic diseases. Identifiers: MedGen C0950123, MeSH D030342.

Allele frequency attached by ClinVar (database versions not stated): gnomAD exomes 0.00006 and 0.00016; ExAC 0.00020; TOPMed 0.00048; gnomAD 0.00049 and 0.00052; ESP Exome Variant Server 0.00077; 1000 Genomes Project 30x 0.00109; 1000 Genomes Project 0.00120.
gnomAD v4.1: 165 of 1,613,946 alleles (0.01%); highest among the groups gnomAD compares: African/African-American, 0.18%; no homozygotes.

Submissions (4):

Labcorp Genetics (formerly Invitae), Labcorp
Classification: Uncertain significance. Last evaluated: 2025-12-11. Review status: criteria provided, single submitter. Criteria: Invitae Variant Classification Sherloc (09022015). Collection method: clinical testing. Allele origin: germline.
Comment: This sequence change replaces valine, which is neutral and non-polar, with isoleucine, which is neutral and non-polar, at codon 65 of the ERCC6L2 protein (p.Val65Ile). This variant is present in population databases (rs148041136, gnomAD 0.2%). This variant has not been reported in the literature in individuals affected with ERCC6L2-related conditions. ClinVar contains an entry for this variant (Variation ID: 1337357). An algorithm developed to predict the effect of missense changes on protein structure and function outputs the following: PolyPhen-2: "Not Available". The isoleucine amino acid residue is found in multiple mammalian species, which suggests that this missense change does not adversely affect protein function. In summary, the available evidence is currently insufficient to determine the role of this variant in disease. Therefore, it has been classified as a Variant of Uncertain Significance.

Ambry Genetics
Classification: Likely benign for Inborn genetic diseases. Last evaluated: 2024-10-15. Review status: criteria provided, single submitter. Criteria: Ambry Variant Classification Scheme 2023. Collection method: clinical testing. Allele origin: germline.

Blueprint Genetics
Classification: Uncertain significance. Last evaluated: 2020-11-30. Review status: criteria provided, single submitter. Criteria: ACMG Guidelines, 2015. Collection method: clinical testing. Allele origin: germline.

Genetic Services Laboratory, University of Chicago
Classification: Uncertain significance. Last evaluated: 2020-08-27. Review status: criteria provided, single submitter. Criteria: ACMG Guidelines, 2015. Collection method: clinical testing. Allele origin: germline. Affected: no.
Comment: DNA sequence analysis of the ERCC6L2 gene demonstrated a sequence change, c.193G>A, in exon 2 that results in an amino acid change, p.Val65Ile. This sequence change does not appear to have been previously described in patients with ERCC6L2-related disorders. It has been described in the gnomAD database with a low population frequency of 0.020% (dbSNP rs148041136). The p.Val65Ile change affects a poorly conserved amino acid residue of the ERCC6L2 protein. The p.Val65Ile substitution appears to be benign using several in-silico pathogenicity prediction tools (SIFT, PolyPhen2, Align GVGD, REVEL). Due to these contrasting evidences and the lack of functional studies, the clinical significance of the p.Val65Ile change remains unknown at this time.